The following is an entry in ClinVar:

NM_005045.4(RELN):c.8957C>T (p.Thr2986Ile)

Genes: RELN (reelin; minus strand), SLC26A5-AS1 (SLC26A5 antisense RNA 1; plus strand). Cytogenetic location: 7q22.1.
Variant type: single nucleotide variant.
Coding change: c.8957C>T on transcript NM_005045.4 (MANE Select); coding-DNA position 8957, C replaced by T.
Protein change: p.Thr2986Ile; replaces threonine 2986 with isoleucine.
Molecular consequence: missense variant.
Genome position (GRCh38, 1-based): chr7:103,496,762, G>A on the plus strand (C>T on the coding strand, the complement: RELN is on the minus strand). VCF-style: chr7-103496762-G-A. GRCh37 (hg19) VCF-style: chr7-103137209-G-A.
Other names: c.8957C>T, p.Thr2986Ile (NM_173054.3); short protein forms T2986I.
Identifiers: ClinVar variation 2927560 (VCV002927560.3), dbSNP rs984822922, ClinGen allele CA163909389.
Genomic context (GRCh38, chr7:103,496,762, plus strand): 5'-ATGTAGTCGTGTCTAACAGAAATGTATTTCTGGTAATCCATCTCATGGAGCAAAGTCCAG[G>A]TAATTCCTATAATAACAAATATACCAACATAGCAATATATCTAGAATCTCCTGCCTCCTC-3'
Protein context (NP_005036.2, residues 2976-2996): LLDYSTDGGI[Thr2986Ile]WTLLHEMDYQ

ClinVar aggregate classification (germline): Uncertain significance (1 of 4 stars; one submission).

Conditions:
Norman-Roberts syndrome (LIS2). Also called: Lissencephaly 2 (Norman-Roberts type). Identifiers: Orphanet 89844, MedGen C0796089, MONDO:0009760, OMIM 257320.
Familial temporal lobe epilepsy 7. Identifiers: Orphanet 101046, MedGen C4225327, MONDO:0014639, OMIM 616436.

Allele frequency attached by ClinVar (database versions not stated): TOPMed below 0.00001; gnomAD exomes 0.00001.
gnomAD v4.1: 11 of 1,613,848 alleles (0.00068%); highest among the groups gnomAD compares: Non-Finnish European, 0.00093%; no homozygotes.

Submission:

Labcorp Genetics (formerly Invitae), Labcorp
Classification: Uncertain significance for Familial temporal lobe epilepsy 7; Norman-Roberts syndrome. Last evaluated: 2023-01-20. Review status: criteria provided, single submitter. Criteria: Invitae Variant Classification Sherloc (09022015). Collection method: clinical testing. Allele origin: germline.
Comment: This variant has not been reported in the literature in individuals affected with RELN-related conditions. This variant is not present in population databases (gnomAD no frequency). This sequence change replaces threonine, which is neutral and polar, with isoleucine, which is neutral and non-polar, at codon 2986 of the RELN protein (p.Thr2986Ile). In summary, the available evidence is currently insufficient to determine the role of this variant in disease. Therefore, it has been classified as a Variant of Uncertain Significance. Advanced modeling of protein sequence and biophysical properties (such as structural, functional, and spatial information, amino acid conservation, physicochemical variation, residue mobility, and thermodynamic stability) performed at Invitae indicates that this missense variant is not expected to disrupt RELN protein function.